The following is an entry in ClinVar:

ClinVar aggregate classification (germline): Uncertain significance. Review status: criteria provided, multiple submitters, no conflicts (2 of 4 stars). 2 submissions from 2 submitters: Uncertain significance (2). Last evaluated 2025-03-25.

Allele frequency attached by ClinVar (database versions not stated): gnomAD 0.00001; TOPMed 0.00003.
gnomAD v4.1: 5 of 1,321,504 alleles (0.00038%); highest among the groups gnomAD compares: African/African-American, 0.0076%; no homozygotes.

Submissions (2):

Ambry Genetics
Classification: Uncertain significance. Last evaluated: 2025-03-25. Review status: criteria provided, single submitter. Criteria: Ambry Variant Classification Scheme 2023. Collection method: clinical testing. Allele origin: germline.

Labcorp Genetics (formerly Invitae), Labcorp
Classification: Uncertain significance. Last evaluated: 2022-03-08. Review status: criteria provided, single submitter. Criteria: Invitae Variant Classification Sherloc (09022015). Collection method: clinical testing. Allele origin: germline.
Comment: This variant is present in population databases (no rsID available, gnomAD 0.01%). This variant has not been reported in the literature in individuals affected with GATA5-related conditions. Algorithms developed to predict the effect of missense changes on protein structure and function are either unavailable or do not agree on the potential impact of this missense change (SIFT: "Tolerated"; PolyPhen-2: "Probably Damaging"; Align-GVGD: "Class C0"). In summary, the available evidence is currently insufficient to determine the role of this variant in disease. Therefore, it has been classified as a Variant of Uncertain Significance. This sequence change replaces serine, which is neutral and polar, with threonine, which is neutral and polar, at codon 4 of the GATA5 protein (p.Ser4Thr).

NM_080473.5(GATA5):c.11G>C (p.Ser4Thr)

Gene: GATA5 (GATA binding protein 5; minus strand). Cytogenetic location: 20q13.33.
Variant type: single nucleotide variant.
Coding change: c.11G>C on transcript NM_080473.5 (MANE Select); coding-DNA position 11, G replaced by C.
Protein change: p.Ser4Thr; replaces serine 4 with threonine.
Molecular consequence: missense variant.
Genome position (GRCh38, 1-based): chr20:62,475,511, C>G on the plus strand (G>C on the coding strand, the complement: GATA5 is on the minus strand). VCF-style: chr20-62475511-C-G. GRCh37 (hg19) VCF-style: chr20-61050567-C-G.
Other names: c.11G>C (NM_080473.4); short protein forms S4T.
Identifiers: ClinVar variation 1508414 (VCV001508414.9), dbSNP rs903053351, ClinGen allele CA317288681.